The following is an entry in ClinVar:

NM_001330360.2(POLA1):c.1676A>G (p.His559Arg)

Gene: POLA1 (DNA polymerase alpha 1, catalytic subunit; plus strand). Cytogenetic location: Xp22.11.
Variant type: single nucleotide variant.
Coding change: c.1676A>G on transcript NM_001330360.2 (MANE Select); coding-DNA position 1676, A replaced by G.
Protein change: p.His559Arg; replaces histidine 559 with arginine.
Molecular consequence: missense variant. On other transcripts: non-coding transcript variant (2).
Genome position (GRCh38, 1-based): chrX:24,727,926, A>G. VCF-style: chrX-24727926-A-G. GRCh37 (hg19) VCF-style: chrX-24746043-A-G.
Other names: c.1658A>G (NM_016937.3); c.1601A>G, p.His534Arg (NM_001378303.1); c.1676A>G, p.His559Arg (NM_001440806.1); c.1658A>G, p.His553Arg (NM_016937.4); short protein forms H553R, H534R, H559R.
Identifiers: ClinVar variation 4703144 (VCV004703144.2).

ClinVar aggregate classification (germline): Uncertain significance. Review status: criteria provided, multiple submitters, no conflicts (2 of 4 stars). 2 submissions from 2 submitters: Uncertain significance (2). Last evaluated 2026-01-05.

Conditions:
Inborn genetic diseases. Identifiers: MedGen C0950123, MeSH D030342.

gnomAD v4.1: 7 of 1,207,727 alleles (0.00058%); highest among the groups gnomAD compares: Admixed American, 0.0022%; no homozygotes.

Submissions (2):

Ambry Genetics
Classification: Uncertain significance for Inborn genetic diseases. Last evaluated: 2026-01-05. Review status: criteria provided, single submitter. Criteria: Ambry Variant Classification Scheme 2023. Collection method: clinical testing. Allele origin: germline.
Comment: The c.1658A>G (p.H553R) alteration is located in exon 15 (coding exon 15) of the POLA1 gene. This alteration results from a A to G substitution at nucleotide position 1658, causing the histidine (H) at amino acid position 553 to be replaced by an arginine (R). Based on data from gnomAD, the G allele has an overall frequency of 0.001% (2/180039) total alleles studied. The highest observed frequency was 0.023% (1/4436) of Other alleles. Based on insufficient or conflicting evidence, the clinical significance of this alteration remains unclear.

Labcorp Genetics (formerly Invitae), Labcorp
Classification: Uncertain significance. Last evaluated: 2025-07-03. Review status: criteria provided, single submitter. Criteria: Invitae Variant Classification Sherloc (09022015). Collection method: clinical testing. Allele origin: germline.
Comment: This sequence change replaces histidine, which is basic and polar, with arginine, which is basic and polar, at codon 553 of the POLA1 protein (p.His553Arg). This variant is present in population databases (no rsID available, gnomAD no frequency), including at least one homozygous and/or hemizygous individual. This variant has not been reported in the literature in individuals affected with POLA1-related conditions. Invitae Evidence Modeling of protein sequence and biophysical properties (such as structural, functional, and spatial information, amino acid conservation, physicochemical variation, residue mobility, and thermodynamic stability) indicates that this missense variant is not expected to disrupt POLA1 protein function with a negative predictive value of 80%. In summary, the available evidence is currently insufficient to determine the role of this variant in disease. Therefore, it has been classified as a Variant of Uncertain Significance.